The following is an entry in ClinVar:

NM_024675.4(PALB2):c.2127T>C (p.Asn709=)

Gene: PALB2 (partner and localizer of BRCA2; minus strand). Cytogenetic location: 16p12.2.
Variant type: single nucleotide variant.
Coding change: c.2127T>C on transcript NM_024675.4 (MANE Select); coding-DNA position 2127, T replaced by C.
Protein change: p.Asn709=; no amino-acid change (asparagine 709 retained).
Molecular consequence: synonymous variant.
Genome position (GRCh38, 1-based): chr16:23,630,027, A>G on the plus strand (T>C on the coding strand, the complement: PALB2 is on the minus strand). VCF-style: chr16-23630027-A-G. GRCh37 (hg19) VCF-style: chr16-23641348-A-G.
Identifiers: ClinVar variation 794944 (VCV000794944.15), dbSNP rs1597090047, ClinGen allele CA494461167.

ClinVar aggregate classification (germline): Benign/Likely benign. Review status: criteria provided, multiple submitters, no conflicts (2 of 4 stars). 3 submissions from 3 submitters: Benign (1); Likely benign (2). Last evaluated 2025-01-15.

Conditions:
Familial cancer of breast. Also called: hereditary breast carcinoma; Hereditary breast cancer; BREAST CANCER, FAMILIAL. Identifiers: Orphanet 227535, MedGen C0346153, MONDO:0016419, OMIM 114480. Disease mechanism: loss of function.
Hereditary cancer-predisposing syndrome. Also called: Neoplastic Syndromes, Hereditary; Hereditary neoplastic syndrome; Tumor predisposition; Hereditary Cancer Syndrome. Identifiers: Orphanet 140162, MedGen C0027672, MeSH D009386, MONDO:0015356.

Allele frequency attached by ClinVar (database versions not stated): gnomAD exomes below 0.00001.
gnomAD v4.1: 2 of 1,614,176 alleles (0.00012%); highest among the groups gnomAD compares: Non-Finnish European, 0.00017%; no homozygotes.

Submissions (3):

Myriad Genetics, Inc.
Classification: Benign for Familial cancer of breast. Last evaluated: 2025-01-15. Review status: criteria provided, single submitter. Criteria: Myriad Autosomal Dominant, Autosomal Recessive and X-Linked Classification Criteria (2023). Collection method: clinical testing. Allele origin: unknown.
Comment: This variant is considered benign. This variant is a silent/synonymous amino acid change and it is not expected to impact splicing.

Labcorp Genetics (formerly Invitae), Labcorp
Classification: Likely benign for Familial cancer of breast. Last evaluated: 2022-01-14. Review status: criteria provided, single submitter. Criteria: Invitae Variant Classification Sherloc (09022015). Collection method: clinical testing. Allele origin: germline.

Ambry Genetics
Classification: Likely benign for Hereditary cancer-predisposing syndrome. Last evaluated: 2019-04-17. Review status: criteria provided, single submitter. Criteria: Ambry Variant Classification Scheme 2023. Collection method: clinical testing. Allele origin: germline.